The following is an entry in ClinVar:

ClinVar aggregate classification (germline): Uncertain significance (1 of 4 stars; one submission).

gnomAD v4.1: 1 of 1,614,150 alleles (0.000062%); highest among the groups gnomAD compares: Non-Finnish European, 0.000085%; no homozygotes.

Submission:

GeneDx
Classification: Uncertain significance. Last evaluated: 2024-06-17. Review status: criteria provided, single submitter. Criteria: GeneDx Variant Classification Process June 2021. Collection method: clinical testing. Allele origin: germline. Affected: yes.
Comment: Not observed at significant frequency in large population cohorts (gnomAD); In silico analysis indicates that this missense variant does not alter protein structure/function; Has not been previously published as pathogenic or benign to our knowledge

NM_006922.4(SCN3A):c.3148T>A (p.Ser1050Thr)

Gene: SCN3A (sodium voltage-gated channel alpha subunit 3; minus strand). Cytogenetic location: 2q24.3.
Variant type: single nucleotide variant.
Coding change: c.3148T>A on transcript NM_006922.4 (MANE Select); coding-DNA position 3148, T replaced by A.
Protein change: p.Ser1050Thr; replaces serine 1050 with threonine.
Molecular consequence: missense variant.
Genome position (GRCh38, 1-based): chr2:165,127,876, A>T on the plus strand (T>A on the coding strand, the complement: SCN3A is on the minus strand). VCF-style: chr2-165127876-A-T. GRCh37 (hg19) VCF-style: chr2-165984386-A-T.
Other names: c.3001T>A, p.Ser1001Thr (NM_001081676.2, NM_001081677.2); short protein forms S1001T, S1050T.
Identifiers: ClinVar variation 3391725 (VCV003391725.1).